The following is an entry in ClinVar:

ClinVar aggregate classification (germline): Uncertain significance (1 of 4 stars; one submission).

Conditions:
Familial thoracic aortic aneurysm and aortic dissection (TAAD). Also called: Thoracic aortic aneurysms and dissections. Identifiers: Orphanet 91387, MedGen C4707243, MONDO:0019625.

Submission:

Ambry Genetics
Classification: Uncertain significance for Familial thoracic aortic aneurysm and aortic dissection. Last evaluated: 2025-11-06. Review status: criteria provided, single submitter. Criteria: Ambry Variant Classification Scheme 2023. Collection method: clinical testing. Allele origin: germline.
Comment: The p.P978S variant (also known as c.2932C>T), located in coding exon 37 of the COL5A1 gene, results from a C to T substitution at nucleotide position 2932. The proline at codon 978 is replaced by serine, an amino acid with similar properties. This amino acid position is highly conserved in available vertebrate species. In addition, the in silico prediction for this alteration is inconclusive. Based on the available evidence, the clinical significance of this variant remains unclear.

NM_000093.5(COL5A1):c.2932C>T (p.Pro978Ser)

Gene: COL5A1 (collagen type V alpha 1 chain; plus strand). Cytogenetic location: 9q34.3.
Variant type: single nucleotide variant.
Coding change: c.2932C>T on transcript NM_000093.5 (MANE Select); coding-DNA position 2932, C replaced by T.
Protein change: p.Pro978Ser; replaces proline 978 with serine.
Molecular consequence: missense variant.
Genome position (GRCh38, 1-based): chr9:134,798,441, C>T. VCF-style: chr9-134798441-C-T. GRCh37 (hg19) VCF-style: chr9-137690287-C-T.
Other names: c.2932C>T, p.Pro978Ser (NM_001278074.1); short protein forms P978S.
Identifiers: ClinVar variation 4635344 (VCV004635344.1).
Genomic context (GRCh38, chr9:134,798,441, plus strand): 5'-CCTCCTTTCCTTTGGTTTTTTCTTCAGGGCCCTCCAGGCAAGGATGGACTCCCAGGACAC[C>T]CTGGACAGAGAGGCGAGACTGTGAGTATCGAGGGTGCTGGGGGACGTGGCTGGCTGGCTC-3'
Protein context (NP_000084.3, residues 968-988): PPGKDGLPGH[Pro978Ser]GQRGETGFQG